The following is an entry in ClinVar:

ClinVar aggregate classification (germline): Uncertain significance. Review status: criteria provided, multiple submitters, no conflicts (2 of 4 stars). 2 submissions from 2 submitters: Uncertain significance (2). Last evaluated 2025-07-30.

Conditions:
Cardiovascular phenotype. Identifiers: MedGen CN230736.
Myofibrillar myopathy 5. Also called: FILAMINOPATHY, AUTOSOMAL DOMINANT; Filaminopathy (type). Identifiers: Orphanet 171445, MedGen C1836050, MONDO:0012289, OMIM 609524.
Distal myopathy with posterior leg and anterior hand involvement. Also called: WILLIAMS DISTAL MYOPATHY. Identifiers: Orphanet 63273, MedGen C3279722, MONDO:0013550, OMIM 614065.
Hypertrophic cardiomyopathy 26. Also called: Cardiomyopathy, familial hypertrophic, 26. Identifiers: Orphanet 75249, MedGen C4310749, MONDO:0014883, OMIM 617047.

Allele frequency attached by ClinVar (database versions not stated): gnomAD 0.00001; gnomAD exomes 0.00001; TOPMed 0.00001.
gnomAD v4.1: 23 of 1,612,952 alleles (0.0014%); highest among the groups gnomAD compares: Non-Finnish European, 0.0017%; no homozygotes.

Submissions (2):

Labcorp Genetics (formerly Invitae), Labcorp
Classification: Uncertain significance for Distal myopathy with posterior leg and anterior hand involvement; Myofibrillar myopathy 5; Hypertrophic cardiomyopathy 26. Last evaluated: 2025-07-30. Review status: criteria provided, single submitter. Criteria: Invitae Variant Classification Sherloc (09022015). Collection method: clinical testing. Allele origin: germline.
Comment: This sequence change replaces glycine, which is neutral and non-polar, with aspartic acid, which is acidic and polar, at codon 54 of the FLNC protein (p.Gly54Asp). This variant is present in population databases (no rsID available, gnomAD 0.003%). This missense change has been observed in individual(s) with limb-girdle muscle weakness (PMID: 29970176). ClinVar contains an entry for this variant (Variation ID: 966028). Invitae Evidence Modeling of protein sequence and biophysical properties (such as structural, functional, and spatial information, amino acid conservation, physicochemical variation, residue mobility, and thermodynamic stability) has been performed for this missense variant. However, the output from this modeling did not meet the statistical confidence thresholds required to predict the impact of this variant on FLNC protein function. In summary, the available evidence is currently insufficient to determine the role of this variant in disease. Therefore, it has been classified as a Variant of Uncertain Significance.

Ambry Genetics
Classification: Uncertain significance for Cardiovascular phenotype. Last evaluated: 2025-06-22. Review status: criteria provided, single submitter. Criteria: Ambry Variant Classification Scheme 2023. Collection method: clinical testing. Allele origin: germline.

Literature cited by the submitters: PubMed 29970176 (cited by Labcorp Genetics (formerly Invitae), Labcorp).

NM_001458.5(FLNC):c.161G>A (p.Gly54Asp)

Gene: FLNC (filamin C; plus strand). Cytogenetic location: 7q32.1.
Variant type: single nucleotide variant.
Coding change: c.161G>A on transcript NM_001458.5 (MANE Select); coding-DNA position 161, G replaced by A.
Protein change: p.Gly54Asp; replaces glycine 54 with aspartic acid.
Molecular consequence: missense variant.
Genome position (GRCh38, 1-based): chr7:128,830,798, G>A. VCF-style: chr7-128830798-G-A. GRCh37 (hg19) VCF-style: chr7-128470852-G-A.
Other names: c.161G>A, p.Gly54Asp (NM_001127487.2); short protein forms G54D.
Identifiers: ClinVar variation 966028 (VCV000966028.11), dbSNP rs1032152678, ClinGen allele CA166207044.